The following is an entry in ClinVar:

ClinVar aggregate classification (germline): Likely pathogenic. Review status: criteria provided, single submitter (1 of 4 stars). 2 submissions from 2 submitters: Likely pathogenic (1). 1 of the submissions does not count toward it. Last evaluated 2025-08-10.

Conditions:
Autism spectrum disorder - epilepsy - arthrogryposis syndrome (AMRS). Identifiers: Orphanet 370943, MedGen C3809910, MONDO:0014248, OMIM 615553.

Submissions (2):

Natera, Inc.
Classification: Likely pathogenic for Arthrogryposis, mental retardation, and seizures. Last evaluated: 2025-08-10. Review status: criteria provided, single submitter. Criteria: Natera Variant Classification Schema (03/2026). Collection method: clinical testing. Allele origin: germline.
Comment: The c.899_900delinsA variant in SLC35A3 is a frameshift variant predicted to shift the reading frame beginning at codon 300 and leads to a stop codon 6 codons downstream. This variant may result in a truncated or dysfunctional protein product. This variant is rare in the general population with a frequency below the threshold expected for the associated phenotype(s). This variant has been observed to segregate in affected family members (PMID: 28328131). This variant has been identified in one or more affected individual with a phenotype highly consistent with the associated gene (PMID: 28328131). Given the available evidence, this variant is classified as Likely Pathogenic.

OMIM
Classification: Pathogenic for ARTHROGRYPOSIS, IMPAIRED INTELLECTUAL DEVELOPMENT, AND SEIZURES. Last evaluated: 2022-05-16. Review status: no assertion criteria provided. Collection method: literature only. Allele origin: germline. Not counted in ClinVar's aggregate classification.

Literature cited by the submitters: PubMed 28328131 (cited by Natera, Inc. and OMIM).

NM_012243.3(SLC35A3):c.899_900delinsA (p.Leu300fs)

Gene: SLC35A3 (solute carrier family 35 member A3; plus strand). Cytogenetic location: 1p21.2.
Variant type: Indel.
Coding change: c.899_900delinsA on transcript NM_012243.3 (MANE Select); coding-DNA positions 899 to 900, TT replaced by A.
Protein change: p.Leu300fs; shifts the reading frame from leucine 300.
Molecular consequence: frameshift variant.
Genome position (GRCh38, 1-based): chr1:100,022,397-100,022,398, TT replaced by A. VCF-style: chr1-100022397-TT-A. GRCh37 (hg19) VCF-style: chr1-100487953-TT-A.
Other names: c.899_900delTTinsA (NM_012243.2); c.1025_1026delinsA, p.Leu342fs (NM_001271685.2); c.646_647delinsA, p.Leu216fs (NM_001271684.2); c.899_900delinsA (NM_012243.2); short protein forms L216fs, L300fs, L342fs.
Identifiers: ClinVar variation 1686984 (VCV001686984.2), dbSNP rs2101501082, ClinGen allele CA2573130926.